The following is an entry in ClinVar:

ClinVar aggregate classification (germline): Likely benign. Review status: criteria provided, multiple submitters, no conflicts (2 of 4 stars). 2 submissions from 2 submitters: Likely benign (2). Last evaluated 2026-08-01.

Conditions:
Werner syndrome (WRN). Identifiers: Orphanet 902, MedGen C0043119, MONDO:0010196, OMIM 277700.

Allele frequency attached by ClinVar (database versions not stated): gnomAD exomes below 0.00001; TOPMed 0.00001.
gnomAD v4.1: 1 of 1,614,100 alleles (0.000062%); highest among the groups gnomAD compares: Admixed American, 0.0017%; no homozygotes.

Submissions (2):

CeGaT Center for Human Genetics Tuebingen
Classification: Likely benign. Last evaluated: 2026-08-01. Review status: criteria provided, single submitter. Criteria: CeGaT Center For Human Genetics Tuebingen Variant Classification Criteria Version 2. Collection method: clinical testing. Allele origin: germline. Affected: yes. Observed: 1 variant allele.
Comment: WRN: BP4, BP7

Labcorp Genetics (formerly Invitae), Labcorp
Classification: Likely benign for Werner syndrome. Last evaluated: 2025-12-16. Review status: criteria provided, single submitter. Criteria: Invitae Variant Classification Sherloc (09022015). Collection method: clinical testing. Allele origin: germline.

NM_000553.6(WRN):c.1092A>G (p.Gly364=)

Gene: WRN (WRN RecQ like helicase; plus strand). Cytogenetic location: 8p12.
Variant type: single nucleotide variant.
Coding change: c.1092A>G on transcript NM_000553.6 (MANE Select); coding-DNA position 1092, A replaced by G.
Protein change: p.Gly364=; no amino-acid change (glycine 364 retained).
Molecular consequence: synonymous variant.
Genome position (GRCh38, 1-based): chr8:31,081,119, A>G. VCF-style: chr8-31081119-A-G. GRCh37 (hg19) VCF-style: chr8-30938635-A-G.
Identifiers: ClinVar variation 1136099 (VCV001136099.8), dbSNP rs1394452074, ClinGen allele CA460488292.
Genomic context (GRCh38, chr8:31,081,119, plus strand): 5'-TGAAACATGGGACCCAACACTTGATCATTTAGCTAAACATGATGGAGAAGATGTACTTGG[A>G]AATAAAGTGGAACGAAAAGAAGATGGATTTGAAGATGGAGTAGAAGACAACAAATTGAAA-3'
Protein context (NP_000544.2, residues 354-374): LAKHDGEDVL[Gly364=]NKVERKEDGF